The following is an entry in ClinVar:

NM_016148.5(SHANK1):c.2738C>T (p.Ser913Phe)

Gene: SHANK1 (SH3 and multiple ankyrin repeat domains 1; minus strand). Cytogenetic location: 19q13.33.
Variant type: single nucleotide variant.
Coding change: c.2738C>T on transcript NM_016148.5 (MANE Select); coding-DNA position 2738, C replaced by T.
Protein change: p.Ser913Phe; replaces serine 913 with phenylalanine.
Molecular consequence: missense variant.
Genome position (GRCh38, 1-based): chr19:50,669,222, G>A on the plus strand (C>T on the coding strand, the complement: SHANK1 is on the minus strand). VCF-style: chr19-50669222-G-A. GRCh37 (hg19) VCF-style: chr19-51172479-G-A.
Other names: short protein forms S913F.
Identifiers: ClinVar variation 3384621 (VCV003384621.1).

ClinVar aggregate classification (germline): Uncertain significance (1 of 4 stars; one submission).

Submission:

GeneDx
Classification: Uncertain significance. Last evaluated: 2024-06-07. Review status: criteria provided, single submitter. Criteria: GeneDx Variant Classification Process June 2021. Collection method: clinical testing. Allele origin: germline. Affected: yes.
Comment: Not observed at significant frequency in large population cohorts (gnomAD); In silico analysis supports that this missense variant has a deleterious effect on protein structure/function; Has not been previously published as pathogenic or benign to our knowledge